The following is an entry in ClinVar:

ClinVar aggregate classification (germline): Uncertain significance (1 of 4 stars; one submission).

Allele frequency attached by ClinVar (database versions not stated): TOPMed 0.00001; gnomAD exomes 0.00002.
gnomAD v4.1: 33 of 1,614,130 alleles (0.002%); highest among the groups gnomAD compares: Non-Finnish European, 0.0027%; no homozygotes.

Submission:

Ambry Genetics
Classification: Uncertain significance. Last evaluated: 2024-03-30. Review status: criteria provided, single submitter. Criteria: Ambry Variant Classification Scheme 2023. Collection method: clinical testing. Allele origin: germline.
Comment: The p.S1187T variant (also known as c.3559T>A), located in coding exon 17 of the NPAT gene, results from a T to A substitution at nucleotide position 3559. The serine at codon 1187 is replaced by threonine, an amino acid with similar properties. This amino acid position is conserved. In addition, this alteration is predicted to be tolerated by in silico analysis. Since supporting evidence is limited at this time, the clinical significance of this alteration remains unclear.

NM_002519.3(NPAT):c.3559T>A (p.Ser1187Thr)

Gene: NPAT (nuclear protein, coactivator of histone transcription; minus strand). Cytogenetic location: 11q22.3.
Variant type: single nucleotide variant.
Coding change: c.3559T>A on transcript NM_002519.3 (MANE Select); coding-DNA position 3559, T replaced by A.
Protein change: p.Ser1187Thr; replaces serine 1187 with threonine.
Molecular consequence: missense variant.
Genome position (GRCh38, 1-based): chr11:108,161,527, A>T on the plus strand (T>A on the coding strand, the complement: NPAT is on the minus strand). VCF-style: chr11-108161527-A-T. GRCh37 (hg19) VCF-style: chr11-108032254-A-T.
Other names: c.3580T>A, p.Ser1194Thr (NM_001321307.1); short protein forms S1187T, S1194T.
Identifiers: ClinVar variation 1732669 (VCV001732669.3), dbSNP rs998803238, ClinGen allele CA228373839.